The following is an entry in ClinVar:

NM_032119.4(ADGRV1):c.7049G>A (p.Gly2350Asp)

Gene: ADGRV1 (adhesion G protein-coupled receptor V1; plus strand). Cytogenetic location: 5q14.3.
Variant type: single nucleotide variant.
Coding change: c.7049G>A on transcript NM_032119.4 (MANE Select); coding-DNA position 7049, G replaced by A.
Protein change: p.Gly2350Asp; replaces glycine 2350 with aspartic acid.
Molecular consequence: missense variant. On other transcripts: non-coding transcript variant (1).
Genome position (GRCh38, 1-based): chr5:90,692,702, G>A. VCF-style: chr5-90692702-G-A. GRCh37 (hg19) VCF-style: chr5-89988519-G-A.
Other names: short protein forms G2350D.
Identifiers: ClinVar variation 1714073 (VCV001714073.5), dbSNP rs1404180273, ClinGen allele CA360371409.
Genomic context (GRCh38, chr5:90,692,702, plus strand): 5'-GTACTATTGGGTTAGATCGAATTGCAAATATTATTATTCCTGCCAATGATGATCCTTATG[G>A]TACAGTAGCCTTTGCTCAGATGGTTTATCGTGTTCAAGAGCCTCTGGAAAGAAGTTCCTG-3'
Protein context (NP_115495.3, residues 2340-2360): IIIPANDDPY[Gly2350Asp]TVAFAQMVYR

ClinVar aggregate classification (germline): Uncertain significance (1 of 4 stars; one submission).

Submission:

Labcorp Genetics (formerly Invitae), Labcorp
Classification: Uncertain significance. Last evaluated: 2023-03-12. Review status: criteria provided, single submitter. Criteria: Invitae Variant Classification Sherloc (09022015). Collection method: clinical testing. Allele origin: germline.
Comment: In summary, the available evidence is currently insufficient to determine the role of this variant in disease. Therefore, it has been classified as a Variant of Uncertain Significance. Algorithms developed to predict the effect of sequence changes on RNA splicing suggest that this variant may disrupt the consensus splice site. Advanced modeling of protein sequence and biophysical properties (such as structural, functional, and spatial information, amino acid conservation, physicochemical variation, residue mobility, and thermodynamic stability) has been performed at Invitae for this missense variant, however the output from this modeling did not meet the statistical confidence thresholds required to predict the impact of this variant on ADGRV1 protein function. ClinVar contains an entry for this variant (Variation ID: 1714073). This variant has not been reported in the literature in individuals affected with ADGRV1-related conditions. This variant is not present in population databases (gnomAD no frequency). This sequence change replaces glycine, which is neutral and non-polar, with aspartic acid, which is acidic and polar, at codon 2350 of the ADGRV1 protein (p.Gly2350Asp).